The following is an entry in ClinVar:

NM_002979.5(SCP2):c.1415C>T (p.Ala472Val)

Gene: SCP2 (sterol carrier protein 2; plus strand). Cytogenetic location: 1p32.3.
Variant type: single nucleotide variant.
Coding change: c.1415C>T on transcript NM_002979.5 (MANE Select); coding-DNA position 1415, C replaced by T.
Protein change: p.Ala472Val; replaces alanine 472 with valine.
Molecular consequence: missense variant. On other transcripts: intron variant (1).
Genome position (GRCh38, 1-based): chr1:53,038,993, C>T. VCF-style: chr1-53038993-C-T. GRCh37 (hg19) VCF-style: chr1-53504665-C-T.
Other names: c.203C>T, p.Ala68Val (NM_001007099.3); c.194C>T, p.Ala65Val (NM_001007100.3); c.1343C>T, p.Ala448Val (NM_001193599.2); c.1283C>T, p.Ala428Val (NM_001193600.2); c.1172C>T, p.Ala391Val (NM_001193617.2); c.127-8865C>T (NM_001007250.3); short protein forms A448V, A391V, A428V, A472V, A65V, A68V.
Identifiers: ClinVar variation 1483918 (VCV001483918.6), dbSNP rs2150263543, ClinGen allele CA340379412.

ClinVar aggregate classification (germline): Uncertain significance (1 of 4 stars; one submission).

Submission:

Labcorp Genetics (formerly Invitae), Labcorp
Classification: Uncertain significance. Last evaluated: 2022-07-12. Review status: criteria provided, single submitter. Criteria: Invitae Variant Classification Sherloc (09022015). Collection method: clinical testing. Allele origin: germline.
Comment: In summary, the available evidence is currently insufficient to determine the role of this variant in disease. Therefore, it has been classified as a Variant of Uncertain Significance. Algorithms developed to predict the effect of sequence changes on RNA splicing suggest that this variant may create or strengthen a splice site. Algorithms developed to predict the effect of missense changes on protein structure and function are either unavailable or do not agree on the potential impact of this missense change (SIFT: "Deleterious"; PolyPhen-2: "Probably Damaging"; Align-GVGD: "Class C0"). ClinVar contains an entry for this variant (Variation ID: 1483918). This variant has not been reported in the literature in individuals affected with SCP2-related conditions. This variant is not present in population databases (gnomAD no frequency). This sequence change replaces alanine, which is neutral and non-polar, with valine, which is neutral and non-polar, at codon 472 of the SCP2 protein (p.Ala472Val).